The following is an entry in ClinVar:

ClinVar aggregate classification (germline): Benign (1 of 4 stars; one submission).

Conditions:
Rotor syndrome (HBLRR). Also called: HYPERBILIRUBINEMIA, ROTOR TYPE, DIGENIC; HYPERBILIRUBINEMIA, ROTOR TYPE. Identifiers: Orphanet 3111, MedGen C0220991, MONDO:0009379, OMIM 237450.

Allele frequency attached by ClinVar (database versions not stated): 1000 Genomes Project 0.06330; 1000 Genomes Project 30x 0.06402; gnomAD 0.11312; TOPMed 0.11932.
gnomAD v4.1: 18,496 of 152,168 alleles (12%); highest among the groups gnomAD compares: Non-Finnish European, 18%; 1,529 homozygotes.

Submission:

Illumina Laboratory Services, Illumina
Classification: Benign for Rotor syndrome. Last evaluated: 2018-01-13. Review status: criteria provided, single submitter. Criteria: ICSL Variant Classification Criteria 13 December 2019. Collection method: clinical testing. Allele origin: germline.
Comment: This variant was observed in the ICSL laboratory as part of a predisposition screen in an ostensibly healthy population. It had not been previously curated by ICSL or reported in the Human Gene Mutation Database (HGMD: prior to June 1st, 2018), and was therefore a candidate for classification through an automated scoring system. Utilizing variant allele frequency, disease prevalence and penetrance estimates, and inheritance mode, an automated score was calculated to assess if this variant is too frequent to cause the disease. Based on the score and internal cut-off values, a variant classified as benign is not then subjected to further curation. The score for this variant resulted in a classification of benign for this disease.

NM_006446.5(SLCO1B1):c.*449A>C

Gene: SLCO1B1 (solute carrier organic anion transporter family member 1B1; plus strand). Cytogenetic location: 12p12.1.
Variant type: single nucleotide variant.
Coding change: c.*449A>C on transcript NM_006446.5 (MANE Select); 449 bases downstream of the stop codon, A replaced by C.
Molecular consequence: 3 prime UTR variant.
Genome position (GRCh38, 1-based): chr12:21,239,638, A>C. VCF-style: chr12-21239638-A-C. GRCh37 (hg19) VCF-style: chr12-21392572-A-C.
Other names: c.*449A>C (LRG_1022t1).
Identifiers: ClinVar variation 307968 (VCV000307968.5), dbSNP rs11045891, ClinGen allele CA10641580.